The following is an entry in ClinVar:

ClinVar aggregate classification (germline): Uncertain significance (1 of 4 stars; one submission).

Submission:

GeneDx
Classification: Uncertain significance. Last evaluated: 2025-08-05. Review status: criteria provided, single submitter. Criteria: GeneDx Variant Classification Process June 2021. Collection method: clinical testing. Allele origin: germline. Affected: yes.
Comment: Not observed at significant frequency in large population cohorts (gnomAD); In silico analysis supports that this missense variant has a deleterious effect on protein structure/function; Has not been previously published as pathogenic or benign to our knowledge

NM_021619.3(PRDM12):c.795C>A (p.His265Gln)

Gene: PRDM12 (PR/SET domain 12; plus strand). Cytogenetic location: 9q34.12.
Variant type: single nucleotide variant.
Coding change: c.795C>A on transcript NM_021619.3 (MANE Select); coding-DNA position 795, C replaced by A.
Protein change: p.His265Gln; replaces histidine 265 with glutamine.
Molecular consequence: missense variant.
Genome position (GRCh38, 1-based): chr9:130,681,360, C>A. VCF-style: chr9-130681360-C-A. GRCh37 (hg19) VCF-style: chr9-133556747-C-A.
Other names: short protein forms H265Q.
Identifiers: ClinVar variation 4756074 (VCV004756074.1).